The following is an entry in ClinVar:

ClinVar aggregate classification (germline): Uncertain significance (1 of 4 stars; one submission).

Submission:

Labcorp Genetics (formerly Invitae), Labcorp
Classification: Uncertain significance. Last evaluated: 2025-06-09. Review status: criteria provided, single submitter. Criteria: Invitae Variant Classification Sherloc (09022015). Collection method: clinical testing. Allele origin: germline.
Comment: This variant, c.274_276dup, results in the insertion of 1 amino acid(s) of the PPM1D protein (p.Cys92dup), but otherwise preserves the integrity of the reading frame. This variant is not present in population databases (gnomAD no frequency). This variant has not been reported in the literature in individuals affected with PPM1D-related conditions. In summary, the available evidence is currently insufficient to determine the role of this variant in disease. Therefore, it has been classified as a Variant of Uncertain Significance.

NM_003620.4(PPM1D):c.271TGC[3] (p.Cys92_Arg93insCys)

Gene: PPM1D (protein phosphatase, Mg2+/Mn2+ dependent 1D; plus strand). Cytogenetic location: 17q23.2.
Variant type: Microsatellite.
Coding change: c.271TGC[3] on transcript NM_003620.4 (MANE Select); three copies in a row of the 3-base unit TGC starting at c.271; the reference has two copies in a row; one copy, 3 bases duplicated.
Protein change: p.Cys92_Arg93insCys.
Molecular consequence: inframe insertion.
Genome position (GRCh38, 1-based): chr17:60,600,688-60,600,690, TGC duplicated; duplicating any 3 consecutive bases within chr17:60,600,683-60,600,690 gives the same sequence; the position shown is the placement nearest the transcript's 3' end. VCF-style (leftmost placement, unchanged base first): chr17-60600682-C-CGCT. GRCh37 (hg19) VCF-style: chr17-58678043-C-CGCT.
Identifiers: ClinVar variation 2153642 (VCV002153642.4), dbSNP rs1178391935, ClinGen allele CA773709138.